The following is an entry in ClinVar:

ClinVar aggregate classification (germline): Likely pathogenic (1 of 4 stars; one submission).

Conditions:
Congenital multicore myopathy with external ophthalmoplegia (CMYO1B). Also called: MULTICORE MYOPATHY; MULTIMINICORE DISEASE WITH EXTERNAL OPHTHALMOPLEGIA; Minicore myopathy with external ophthalmoplegia; Congenital myopathy 1B, autosomal recessive; Minicore myopathy. Identifiers: Orphanet 598, Orphanet 98905, MedGen C1850674, MONDO:0009712, OMIM 255320, HP:0003789.

Submission:

Breakthrough Genomics
Classification: Likely pathogenic for Congenital multicore myopathy with external ophthalmoplegia. Last evaluated: 2021-01-15. Review status: criteria provided, single submitter. Criteria: ACMG Guidelines, 2015. Collection method: clinical testing. Allele origin: germline. Affected: yes.
Comment: This variant is predicted to cause a frameshift and consequent premature termination of the protein (p.Pro336ArgfsTer168) and the resultant protein will likely to lack SPRY domains, EF-hand domain and transmembrane domain of the protein [UniProt]; this will likely result in loss-of-function. Due to the introduction of a premature stop codon, this aberrant transcript will likely be targeted by the nonsense-mediated mRNA decay (NMD) mechanism [PMID: 15040442]. The variant seems to be a novel variant, as it has not been previously reported in population databases or in the literature. However, several other truncating variants lying downstream of the identified variant, has been previously reported as ‘pathogenic’ in the ClinVar database context of RYR1-related disorders. In addition, loss-of-function variants in RYR1 are known to be pathogenic [PMID: 20583297, 23919265].

NM_000540.3(RYR1):c.1007_1008del (p.Pro336fs)

Gene: RYR1 (ryanodine receptor 1; plus strand). Cytogenetic location: 19q13.2.
Variant type: Deletion.
Coding change: c.1007_1008del on transcript NM_000540.3 (MANE Select); coding-DNA positions 1007 to 1008, 2 bases deleted (CT; older notation c.1007_1008delCT).
Protein change: p.Pro336fs; shifts the reading frame from proline 336.
Molecular consequence: frameshift variant.
Genome position (GRCh38, 1-based): chr19:38,448,698-38,448,699, CT deleted. VCF-style (leftmost placement, unchanged base first): chr19-38448697-CCT-C. GRCh37 (hg19) VCF-style: chr19-38939337-CCT-C.
Other names: p.Pro336ArgfsTer168; c.1007_1008del, p.Pro336fs (NM_001042723.2); short protein forms P336fs.
Identifiers: ClinVar variation 3255605 (VCV003255605.2).